The following is an entry in ClinVar:

NM_000748.3(CHRNB2):c.848T>A (p.Ile283Asn)

Gene: CHRNB2 (cholinergic receptor nicotinic beta 2 subunit; plus strand). Cytogenetic location: 1q21.3.
Variant type: single nucleotide variant.
Coding change: c.848T>A on transcript NM_000748.3 (MANE Select); coding-DNA position 848, T replaced by A.
Protein change: p.Ile283Asn; replaces isoleucine 283 with asparagine.
Molecular consequence: missense variant.
Genome position (GRCh38, 1-based): chr1:154,571,671, T>A. VCF-style: chr1-154571671-T-A. GRCh37 (hg19) VCF-style: chr1-154544147-T-A.
Other names: short protein forms I283N.
Identifiers: ClinVar variation 3895490 (VCV003895490.1).

ClinVar aggregate classification (germline): Uncertain significance (1 of 4 stars; one submission).

Conditions:
Autosomal dominant nocturnal frontal lobe epilepsy 3. Also called: CHRNB2-Related Nocturnal Frontal Lobe Epilepsy, Autosomal Dominant. Identifiers: Orphanet 98784, MedGen C1854335, MONDO:0011545, OMIM 605375.

Submission:

Neuberg Centre For Genomic Medicine, NCGM
Classification: Uncertain significance for Autosomal dominant nocturnal frontal lobe epilepsy 3. Last evaluated: 2024-02-01. Review status: criteria provided, single submitter. Criteria: ACMG Guidelines, 2015. Collection method: clinical testing. Allele origin: germline. Inheritance: Autosomal dominant inheritance. Affected: yes.
Comment: The missense variant c.848T>A (p.Ile283Asn) in the CHRNB2 gene has not been reported previously as a pathogenic variant nor as a benign variant, to our knowledge. This variant is absent in the gnomAD Exomes. The amino acid Ile at position 283 is changed to a Asn changing protein sequence and it might alter its composition and physico-chemical properties. Multiple lines of computational evidence (Polyphen - Damaging, SIFT - Damaging and MutationTaster - Disease causing) predict a damaging effect on protein structure and function for this variant. The residue is conserved by GERP++ and PhyloP across 100 vertebrates. For these reasons, this variant has been classified as Uncertain Significance.